The following is an entry in ClinVar:

NM_000458.4(HNF1B):c.1654-9T>A

Gene: HNF1B (HNF1 homeobox B; minus strand). Cytogenetic location: 17q12.
Variant type: single nucleotide variant.
Coding change: c.1654-9T>A on transcript NM_000458.4 (MANE Select); 9 bases into the intron before coding-DNA position 1654, T replaced by A.
Molecular consequence: intron variant.
Genome position (GRCh38, 1-based): chr17:37,687,401, A>T on the plus strand (T>A on the coding strand, the complement: HNF1B is on the minus strand). VCF-style: chr17-37687401-A-T. GRCh37 (hg19) VCF-style: chr17-36047404-A-T.
Other names: c.1262-9T>A (NM_001304286.2); c.1576-9T>A (NM_001165923.4).
Identifiers: ClinVar variation 593924 (VCV000593924.16), dbSNP rs200579660, ClinGen allele CA8518766.
Genomic context (GRCh38, chr17:37,687,401, plus strand): 5'-TGTTGCGCACGAAGTAAGTGGTGTGTGGGCATCACCAGGCTTGTAGAGGACACTGCAGAG[A>T]GAGAGGAGAGAGGGTGCTCAGCTGTGTCATTTGGCAGGGTCATGGGCCATTAGTTTGGCT-3'

ClinVar aggregate classification (germline): Conflicting classifications of pathogenicity. Review status: criteria provided, conflicting classifications (1 of 4 stars). 6 submissions from 6 submitters: Uncertain significance (5); Likely benign (1). Last evaluated 2025-08-18.

Conditions:
Type 2 diabetes mellitus. Also called: Type II diabetes mellitus. Identifiers: MedGen C0011860, MeSH D003924, MONDO:0005148, OMIM 125853, HP:0005978.
Nonpapillary renal cell carcinoma. Identifiers: Orphanet 422526, MedGen CN074294, MONDO:0007763, OMIM 144700.
Renal cysts and diabetes syndrome (RCAD). Also called: Familial hypoplastic, glomerulocystic kidney; MATURITY-ONSET DIABETES OF THE YOUNG, TYPE 5. Identifiers: Orphanet 93111, MedGen C0431693, MONDO:0007669, OMIM 137920.
Maturity-onset diabetes of the young (MODY). Also called: Maturity onset diabetes mellitus in young. Identifiers: Orphanet 552, MedGen C0342276, MONDO:0018911, HP:0004904.

Allele frequency attached by ClinVar (database versions not stated): gnomAD exomes 0.00007 and 0.00008; TOPMed 0.00007; ESP Exome Variant Server 0.00008; ExAC 0.00009; gnomAD 0.00009 and 0.00011; 1000 Genomes Project 0.00080; 1000 Genomes Project 30x 0.00094.
gnomAD v4.1: 122 of 1,599,764 alleles (0.0076%); highest among the groups gnomAD compares: Non-Finnish European, 0.0096%; no homozygotes.

Submissions (6):

Labcorp Genetics (formerly Invitae), Labcorp
Classification: Likely benign. Last evaluated: 2025-08-18. Review status: criteria provided, single submitter. Criteria: Invitae Variant Classification Sherloc (09022015). Collection method: clinical testing. Allele origin: germline.

Fulgent Genetics
Classification: Uncertain significance for Type 2 diabetes mellitus; Renal cysts and diabetes syndrome; Nonpapillary renal cell carcinoma. Last evaluated: 2024-06-04. Review status: criteria provided, single submitter. Criteria: ACMG Guidelines, 2015. Collection method: clinical testing. Allele origin: germline.

Genetic Services Laboratory, University of Chicago
Classification: Uncertain significance. Last evaluated: 2019-03-29. Review status: criteria provided, single submitter. Criteria: ACMG Guidelines, 2015. Collection method: clinical testing. Allele origin: germline. Affected: no.

Eurofins Ntd Llc (ga)
Classification: Uncertain significance. Last evaluated: 2017-09-05. Review status: criteria provided, single submitter. Criteria: EGL Classification Definitions 2015. Collection method: clinical testing. Allele origin: germline. Observed: 2 variant alleles, 2 heterozygotes.

Breakthrough Genomics
Classification: Uncertain significance. Review status: criteria provided, single submitter. Criteria: ACMG Guidelines, 2015. Collection method: not provided. Allele origin: germline. Inheritance: Autosomal dominant inheritance. Affected: yes.

Clinical Genomics, Uppaluri K&H Personalized Medicine Clinic
Classification: Uncertain significance for Maturity-onset diabetes of the young. Review status: criteria provided, single submitter. Criteria: K & H Uppaluri Personalized Medicine Clinic Variant Classification & Assertion Criteria_Updated V.1. Collection method: research. Allele origin: unknown. Inheritance: Autosomal dominant inheritance.
Comment: HNF1B gene mutations are associated with early onset diabetes and pancreatic atrophy. It is also associated with multiple renal manifestations including renal cysts, Tubulointerstitial disease, glomerulocystic disease, renal hypoplasia, hypomagnesemia. However no sufficient evidence is found to ascertain the role of this particular variant rs200579660, yet.

Literature cited by the submitters: PubMed 24897035 (cited by Clinical Genomics, Uppaluri K&H Personalized Medicine Clinic); PubMed 25536396 (cited by Clinical Genomics, Uppaluri K&H Personalized Medicine Clinic); PubMed 27615128 (cited by Clinical Genomics, Uppaluri K&H Personalized Medicine Clinic); PubMed 28215227 (cited by Clinical Genomics, Uppaluri K&H Personalized Medicine Clinic); PubMed 33434175 (cited by Clinical Genomics, Uppaluri K&H Personalized Medicine Clinic); PubMed 25741167 (cited by Clinical Genomics, Uppaluri K&H Personalized Medicine Clinic); PubMed 26340261 (cited by Clinical Genomics, Uppaluri K&H Personalized Medicine Clinic); PubMed 19639018 (cited by Clinical Genomics, Uppaluri K&H Personalized Medicine Clinic).